The following is an entry in ClinVar:

ClinVar aggregate classification (germline): Uncertain significance (1 of 4 stars; one submission).

Conditions:
Baller-Gerold syndrome (BGS). Also called: CRANIOSYNOSTOSIS WITH RADIAL DEFECTS. Identifiers: Orphanet 1225, MedGen C0265308, MONDO:0009039, OMIM 218600.

Submission:

Labcorp Genetics (formerly Invitae), Labcorp
Classification: Uncertain significance for Baller-Gerold syndrome. Last evaluated: 2019-09-08. Review status: criteria provided, single submitter. Criteria: Invitae Variant Classification Sherloc (09022015). Collection method: clinical testing. Allele origin: germline.
Comment: In summary, the available evidence is currently insufficient to determine the role of this variant in disease. Therefore, it has been classified as a Variant of Uncertain Significance. Algorithms developed to predict the effect of missense changes on protein structure and function (SIFT, PolyPhen-2, Align-GVGD) all suggest that this variant is likely to be tolerated, but these predictions have not been confirmed by published functional studies and their clinical significance is uncertain. This variant has not been reported in the literature in individuals with RECQL4-related conditions. This variant is not present in population databases (ExAC no frequency). This sequence change replaces glutamic acid with lysine at codon 334 of the RECQL4 protein (p.Glu334Lys). The glutamic acid residue is weakly conserved and there is a small physicochemical difference between glutamic acid and lysine.

NM_004260.4(RECQL4):c.1000G>A (p.Glu334Lys)

Gene: RECQL4 (RecQ like helicase 4; minus strand). Cytogenetic location: 8q24.3.
Variant type: single nucleotide variant.
Coding change: c.1000G>A on transcript NM_004260.4 (MANE Select); coding-DNA position 1000, G replaced by A.
Protein change: p.Glu334Lys; replaces glutamic acid 334 with lysine.
Molecular consequence: missense variant.
Genome position (GRCh38, 1-based): chr8:144,516,119, C>T on the plus strand (G>A on the coding strand, the complement: RECQL4 is on the minus strand). VCF-style: chr8-144516119-C-T. GRCh37 (hg19) VCF-style: chr8-145741503-C-T.
Other names: short protein forms E334K.
Identifiers: ClinVar variation 954005 (VCV000954005.5), dbSNP rs1814909763, ClinGen allele CA372688372.